The following is an entry in ClinVar:

NM_001110556.2(FLNA):c.3259C>T (p.Arg1087Cys)

Gene: FLNA (filamin A; minus strand). Cytogenetic location: Xq28.
Variant type: single nucleotide variant.
Coding change: c.3259C>T on transcript NM_001110556.2 (MANE Select); coding-DNA position 3259, C replaced by T.
Protein change: p.Arg1087Cys; replaces arginine 1087 with cysteine.
Molecular consequence: missense variant.
Genome position (GRCh38, 1-based): chrX:154,360,536, G>A on the plus strand (C>T on the coding strand, the complement: FLNA is on the minus strand). VCF-style: chrX-154360536-G-A. GRCh37 (hg19) VCF-style: chrX-153588904-G-A.
Other names: p.R1087C:CGC>TGC; c.3259C>T, p.Arg1087Cys (NM_001456.4); short protein forms R1087C.
Identifiers: ClinVar variation 213505 (VCV000213505.13), dbSNP rs782518956, ClinGen allele CA325093.
Genomic context (GRCh38, chrX:154,360,536, plus strand): 5'-GGCCCTCCACCGTCAGGCCCAGGCCACCTGTGCCGGCGCCCTTGGTGTCGATGGTGAAGC[G>A]GGCGGGGGAGCCCGCACTGCCTCCCTGCAGCCCCGGCCCAAACGCCTTCACCTGAGGGAA-3'
Protein context (NP_001104026.1, residues 1077-1097): LQGGSAGSPA[Arg1087Cys]FTIDTKGAGT

ClinVar aggregate classification (germline): Conflicting classifications of pathogenicity. Review status: criteria provided, conflicting classifications (1 of 4 stars). 3 submissions from 3 submitters: Uncertain significance (1); Likely benign (2). Last evaluated 2026-01-26.

Conditions:
Oto-palato-digital syndrome, type II (OPD2). Also called: Otopalatodigital Syndrome, Type II; FACIOPALATOOSSEOUS SYNDROME; OPD II SYNDROME; Otopalatodigital Syndrome Type 2 (FLNA-OPD2). Identifiers: Orphanet 669, Orphanet 90652, MedGen C1844696, MONDO:0010571, OMIM 304120.
Frontometaphyseal dysplasia (FMD1). Identifiers: Orphanet 1826, MedGen C0265293, MONDO:0015942.
Heterotopia, periventricular, X-linked dominant (PVNH1). Also called: PERIVENTRICULAR NODULAR HETEROTOPIA 1; X-linked periventricular heterotopia; PERIVENTRICULAR NODULAR HETEROTOPIA 4; HETEROTOPIA, PERIVENTRICULAR, 1. Identifiers: Orphanet 2149, Orphanet 82004, MedGen C1848213, MONDO:0010233, OMIM 300049.
Melnick-Needles syndrome (MNS). Also called: MELNICK-NEEDLES OSTEODYSPLASTY; OSTEODYSPLASTY OF MELNICK AND NEEDLES; Melnick-Needles Syndrome (FLNA-MNS). Identifiers: Orphanet 2484, MedGen C0025237, MONDO:0010650, OMIM 309350.
Familial thoracic aortic aneurysm and aortic dissection (TAAD). Also called: Thoracic aortic aneurysms and dissections. Identifiers: Orphanet 91387, MedGen C4707243, MONDO:0019625.

Allele frequency attached by ClinVar (database versions not stated): TOPMed 0.00001; gnomAD 0.00003; gnomAD exomes 0.00003; ExAC 0.00006.
gnomAD v4.1: 40 of 1,209,139 alleles (0.0033%); highest among the groups gnomAD compares: East Asian, 0.11%; no homozygotes.

Submissions (3):

Labcorp Genetics (formerly Invitae), Labcorp
Classification: Likely benign for Oto-palato-digital syndrome, type II; Heterotopia, periventricular, X-linked dominant; Frontometaphyseal dysplasia; Melnick-Needles syndrome. Last evaluated: 2026-01-26. Review status: criteria provided, single submitter. Criteria: Invitae Variant Classification Sherloc (09022015). Collection method: clinical testing. Allele origin: germline.

Ambry Genetics
Classification: Likely benign for Familial thoracic aortic aneurysm and aortic dissection. Last evaluated: 2024-12-24. Review status: criteria provided, single submitter. Criteria: Ambry Variant Classification Scheme 2023. Collection method: clinical testing. Allele origin: germline.

GeneDx
Classification: Uncertain significance. Last evaluated: 2014-12-01. Review status: criteria provided, single submitter. Criteria: GeneDx Variant Classification (06012015). Collection method: clinical testing. Allele origin: germline. Affected: yes.
Comment: The R1087C variant has not been published as a mutation or as a benign polymorphism to our knowledge. The R1087C variant was not observed in approximately 6,000 individuals of European and African American ancestry in the NHLBI Exome Sequencing Project, indicating it is not a common benign variant in these populations. The R1087C variant is a non-conservative amino acid substitution, which is likely to impact secondary protein structure as these residues differ in polarity, charge, size and/or other properties. This substitution occurs at a position that is somewhat conserved in mammals. In silico analysis predicts this variant is possibly damaging to the protein structure/function. However, no missense mutations in nearby residues have been reported in association with disease , indicating this region of the protein may be tolerant of change. Therefore, based on the currently available information, it is unclear whether this variant is a pathogenic mutation or a rare benign variant. This variant was found in TAAD